The following is an entry in ClinVar:

NM_001142800.2(EYS):c.6732_6734del (p.Thr2245del)

Gene: EYS (eyes shut homolog; minus strand). Cytogenetic location: 6q12.
Variant type: Deletion.
Coding change: c.6732_6734del on transcript NM_001142800.2 (MANE Select); coding-DNA positions 6732 to 6734, 3 bases deleted (AAC; older notation c.6732_6734delAAC).
Protein change: p.Thr2245del; deletes threonine 2245.
Molecular consequence: inframe deletion.
Genome position (GRCh38, 1-based): chr6:63,999,175-63,999,177, GTT deleted on the plus strand (AAC on the coding strand, the reverse complement: EYS is on the minus strand); deleting any 3 consecutive bases within chr6:63,999,175-63,999,179 gives the same sequence; the c. name uses the placement nearest the transcript's 3' end. VCF-style (leftmost placement, unchanged base first): chr6-63999174-CGTT-C. GRCh37 (hg19) VCF-style: chr6-64709067-CGTT-C.
Other names: c.6732_6734del, p.Thr2245del (NM_001292009.2); short protein forms T2245del.
Identifiers: ClinVar variation 2428238 (VCV002428238.3), dbSNP rs1562141623, ClinGen allele CA567708317.

ClinVar aggregate classification (germline): Uncertain significance (1 of 4 stars; one submission).

Submission:

Labcorp Genetics (formerly Invitae), Labcorp
Classification: Uncertain significance. Last evaluated: 2022-03-09. Review status: criteria provided, single submitter. Criteria: Invitae Variant Classification Sherloc (09022015). Collection method: clinical testing. Allele origin: germline.
Comment: This variant, c.6732_6734del, results in the deletion of 1 amino acid(s) of the EYS protein (p.Thr2245del), but otherwise preserves the integrity of the reading frame. This variant is present in population databases (no rsID available, gnomAD 0.004%). This variant has not been reported in the literature in individuals affected with EYS-related conditions. Experimental studies and prediction algorithms are not available or were not evaluated, and the functional significance of this variant is currently unknown. In summary, the available evidence is currently insufficient to determine the role of this variant in disease. Therefore, it has been classified as a Variant of Uncertain Significance.